The following continues an entry in ClinVar:

NM_001048174.2(MUTYH):c.1143_1144dup (p.Glu382fs)

Gene: MUTYH. ClinVar aggregate classification (germline): Pathogenic/Likely pathogenic. Pathogenic (24); Likely pathogenic (1).

Submissions 21 to 32 of 32:

GeneDx
Classification: Pathogenic. Last evaluated: 2020-09-21. Review status: criteria provided, single submitter. Criteria: GeneDx Variant Classification Process June 2021. Collection method: clinical testing. Allele origin: germline. Affected: yes.
Comment: Frameshift variant predicted to result in protein truncation or nonsense mediated decay in a gene for which loss-of-function is a known mechanism of disease; This variant is associated with the following publications: (PMID: 21777424, 26681312, 29753700, 26556299, 30256826, 31921681, 23108399, 15366000, 25980754, 25822476, 20687945, 24470512, 28644590, 15188161, 28195393, 28152038, 28577310, 22744763, 19732775, 27829682, 30604180, 31739127, 30291343, 29625052, 31447099, 31589614, 30787465)

Eurofins Ntd Llc (ga)
Classification: Pathogenic. Last evaluated: 2018-01-30. Review status: criteria provided, single submitter. Criteria: EGL Classification Definitions 2015. Collection method: clinical testing. Allele origin: germline. Observed: 1 variant allele, 1 heterozygote.

Illumina Laboratory Services, Illumina
Classification: Likely pathogenic for Familial adenomatous polyposis 2. Last evaluated: 2017-04-28. Review status: criteria provided, single submitter. Criteria: ICSL Variant Classification Criteria 09 May 2019. Collection method: clinical testing. Allele origin: germline.
Comment: The MUTYH c.1185_1186dupGG (p.Glu396GlyfsTer43) variant results in a frameshift and is predicted to result in premature termination of the protein. The p.Glu396GlyfsTer43 variant has been reported in two studies in which it is found in a total of three individuals with MYH-associated polyposis, including in two in a compound heterozygous state and in one in a heterozygous state (Nielson et al. 2005; LeJeune et al. 2006). The p.Glu396GlyfsTer43 variant was absent from 50 controls and is reported at a frequency of 0.00043 in the Latino population of the Exome Aggregation Consortium. Based on the evidence and potential impact of frameshift variants, the p.Glu396GlyfsTer43 variant is classified as likely pathogenic for MYH-associated polyposis. This variant was observed by ICSL as part of a predisposition screen in an ostensibly healthy population.

Department of Pathology and Laboratory Medicine, Sinai Health System
Classification: Pathogenic for Familial adenomatous polyposis 2; Gastric cancer. Last evaluated: 2017-01-04. Review status: criteria provided, single submitter. Criteria: ACMG Guidelines, 2015. Collection method: clinical testing. Allele origin: germline. Affected: no.

Women's Health and Genetics/Laboratory Corporation of America, LabCorp
Classification: Pathogenic for Familial adenomatous polyposis 2. Last evaluated: 2016-10-28. Review status: criteria provided, single submitter. Criteria: LabCorp Variant Classification Summary - May 2015. Collection method: clinical testing. Allele origin: germline.
Comment: Variant summary: The MUTYH c.1227_1228dupGG (p.Glu410Glyfs) variant results in a premature termination codon, predicted to cause a truncated or absent MUTYH protein due to nonsense mediated decay, which are commonly known mechanisms for disease. Truncations downstream of this position have been classified as likely pathogenic by our laboratory (e.g.c.1435G>T/p.Glu479X). One in silico tool predicts a damaging outcome for this variant. This variant was found in 7/120274 control chromosomes at a frequency of 0.0000582, which does not exceed the estimated maximal expected allele frequency of a pathogenic MUTYH variant (0.0045644). This variant has been reported in numerous MAP patients and colorectal cancer patients. In addition, multiple clinical diagnostic laboratories/reputable databases classified this variant as pathogenic. Taken together, this variant is classified as pathogenic.

Counsyl
Classification: Pathogenic for Familial adenomatous polyposis 2. Last evaluated: 2015-10-23. Review status: no assertion criteria provided. Collection method: clinical testing. Allele origin: unknown. Not counted in ClinVar's aggregate classification.

Pathway Genomics
Classification: Pathogenic for Carcinoma of colon. Last evaluated: 2014-07-24. Review status: no assertion criteria provided. Collection method: clinical testing. Allele origin: germline. Not counted in ClinVar's aggregate classification.

OMIM
Classification: Pathogenic for FAMILIAL ADENOMATOUS POLYPOSIS 2. Last evaluated: 2005-04-15. Review status: no assertion criteria provided. Collection method: literature only. Allele origin: germline. Not counted in ClinVar's aggregate classification.

Clinical Genetics DNA and cytogenetics Diagnostics Lab, Erasmus MC, Erasmus Medical Center
Classification: Pathogenic. Review status: no assertion criteria provided. Collection method: clinical testing. Allele origin: germline. Affected: yes. Study: VKGL Data-share Consensus. Not counted in ClinVar's aggregate classification.

Clinical Genetics, Academic Medical Center
Classification: Pathogenic. Review status: no assertion criteria provided. Collection method: clinical testing. Allele origin: germline. Affected: yes. Study: VKGL Data-share Consensus. Not counted in ClinVar's aggregate classification.

GeneReviews
No classification provided. Condition: Familial adenomatous polyposis 2. Review status: no classification provided. Collection method: literature only. Allele origin: germline. Not counted in ClinVar's aggregate classification.
Comment: Common in the Spanish, Portuguese, & Tunisian populations

Laboratory of Diagnostic Genome Analysis, Leiden University Medical Center (LUMC)
Classification: Pathogenic. Review status: no assertion criteria provided. Collection method: clinical testing. Allele origin: germline. Affected: yes. Study: VKGL Data-share Consensus. Not counted in ClinVar's aggregate classification.

Literature cited by the submitters: PubMed 18534194 (cited by Labcorp Genetics (formerly Invitae), Labcorp); PubMed 20663686 (cited by Labcorp Genetics (formerly Invitae), Labcorp); PubMed 15188161 (cited by 10 submitters); PubMed 15366000 (cited by 9 submitters); PubMed 19531215 (cited by 9 submitters); PubMed 19732775 (cited by 13 submitters); PubMed 31739127 (cited by 6 submitters); PubMed 23108399 (cited by 6 submitters); PubMed 17122612 (cited by 6 submitters); PubMed 22744763 (cited by 13 submitters); PubMed 21443744 (cited by 6 submitters); PubMed 27829682 (cited by 6 submitters); PubMed 30604180 (cited by Mayo Clinic Laboratories, Mayo Clinic and Ambry Genetics); PubMed 25980754 (cited by 7 submitters); PubMed 16140997 (cited by 4 submitters); PubMed 23599153 (cited by Ambry Genetics); PubMed 24470512 (cited by Ambry Genetics); PubMed 26681312 (cited by Ambry Genetics and Quest Diagnostics Nichols Institute San Juan Capistrano); PubMed 30256826 (cited by Ambry Genetics); PubMed 19806110 (cited by Quest Diagnostics Nichols Institute San Juan Capistrano); PubMed 30852976 (cited by Quest Diagnostics Nichols Institute San Juan Capistrano and Sema4); PubMed 28195393 (cited by Quest Diagnostics Nichols Institute San Juan Capistrano and Sema4); PubMed 33471991 (cited by Sema4); PubMed 16941501 (cited by Illumina Laboratory Services, Illumina); PubMed 15690400 (cited by Department of Pathology and Laboratory Medicine, Sinai Health System and OMIM); PubMed 18022921 (cited by Department of Pathology and Laboratory Medicine, Sinai Health System); PubMed 18091433 (cited by Department of Pathology and Laboratory Medicine, Sinai Health System); PubMed 20939750 (cited by Department of Pathology and Laboratory Medicine, Sinai Health System); PubMed 19032956 (cited by Women's Health and Genetics/Laboratory Corporation of America, LabCorp); PubMed 23035301 (cited by GeneReviews).